The following is an entry in ClinVar:

ClinVar aggregate classification (germline): Benign (1 of 4 stars; one submission).

Allele frequency attached by ClinVar (database versions not stated): 1000 Genomes Project 0.47684; 1000 Genomes Project 30x 0.47751; gnomAD 0.53970; TOPMed 0.50737.
gnomAD v4.1: 79,901 of 151,284 alleles (53%); highest among the groups gnomAD compares: Non-Finnish European, 57%; 21,513 homozygotes.

Submission:

GeneDx
Classification: Benign. Last evaluated: 2018-06-19. Review status: criteria provided, single submitter. Criteria: GeneDx Variant Classification (06012015). Collection method: clinical testing. Allele origin: germline. Affected: yes.
Comment: This variant is considered likely benign or benign based on one or more of the following criteria: it is a conservative change, it occurs at a poorly conserved position in the protein, it is predicted to be benign by multiple in silico algorithms, and/or has population frequency not consistent with disease.

NM_000521.3(HEXB):c.-383A>T

Gene: HEXB (hexosaminidase subunit beta; plus strand). Cytogenetic location: 5q13.3.
Variant type: single nucleotide variant.
Coding change: c.-383A>T on transcript NM_000521.3; 383 bases upstream of the start codon, A replaced by T.
Molecular consequence: intron variant (on NM_001292004.2).
Genome position (GRCh38, 1-based): chr5:74,684,878, A>T. VCF-style: chr5-74684878-A-T. GRCh37 (hg19) VCF-style: chr5-73980703-A-T.
Other names: c.-376-4450A>T (NM_001292004.2).
Identifiers: ClinVar variation 680593 (VCV000680593.3), dbSNP rs2593641, ClinGen allele CA12054920.